The following is an entry in ClinVar:

NM_006421.5(ARFGEF1):c.1387A>G (p.Ile463Val)

Gene: ARFGEF1 (ARF guanine nucleotide exchange factor 1; minus strand). Cytogenetic location: 8q13.2.
Variant type: single nucleotide variant.
Coding change: c.1387A>G on transcript NM_006421.5 (MANE Select); coding-DNA position 1387, A replaced by G.
Protein change: p.Ile463Val; replaces isoleucine 463 with valine.
Molecular consequence: missense variant. On other transcripts: 5 prime UTR variant (1), non-coding transcript variant (1).
Genome position (GRCh38, 1-based): chr8:67,271,887, T>C on the plus strand (A>G on the coding strand, the complement: ARFGEF1 is on the minus strand). VCF-style: chr8-67271887-T-C. GRCh37 (hg19) VCF-style: chr8-68184122-T-C.
Other names: c.1387A>G, p.Ile463Val (NM_001413184.1, NM_001413185.1, NM_001413186.1 and 7 more transcripts); c.787A>G, p.Ile263Val (NM_001413188.1, NM_001413193.1, NM_001413197.1); c.-39A>G (NM_001413196.1); short protein forms I263V, I463V.
Identifiers: ClinVar variation 2446600 (VCV002446600.1), dbSNP rs2491689432, ClinGen allele CA371218904.

ClinVar aggregate classification (germline): Uncertain significance. Review status: criteria provided, multiple submitters, no conflicts (2 of 4 stars). 2 submissions from 2 submitters: Uncertain significance (2). Last evaluated 2022-09-30.

Conditions:
Developmental delay, impaired speech, and behavioral abnormalities. Identifiers: MedGen C5561957, MONDO:0859178, OMIM 619475.

Allele frequency attached by ClinVar (database versions not stated): gnomAD exomes below 0.00001.
gnomAD v4.1: 2 of 1,613,132 alleles (0.00012%); highest among the groups gnomAD compares: Non-Finnish European, 0.00017%; no homozygotes.

Submissions (2):

GeneDx
Classification: Uncertain significance. Last evaluated: 2022-09-30. Review status: criteria provided, single submitter. Criteria: GeneDx Variant Classification Process June 2021. Collection method: clinical testing. Allele origin: germline. Affected: yes.
Comment: Not observed at significant frequency in large population cohorts (gnomAD); In silico analysis supports that this missense variant does not alter protein structure/function; Has not been previously published as pathogenic or benign to our knowledge

Neuberg Centre For Genomic Medicine, NCGM
Classification: Uncertain significance for Developmental delay, impaired speech, and behavioral abnormalities. Review status: criteria provided, single submitter. Criteria: ACMG Guidelines, 2015. Collection method: clinical testing. Allele origin: germline. Inheritance: Autosomal dominant inheritance. Affected: yes.